The following is an entry in ClinVar:

NM_033305.3(VPS13A):c.5673G>A (p.Ser1891=)

Gene: VPS13A (vacuolar protein sorting 13 homolog A; plus strand). Cytogenetic location: 9q21.2.
Variant type: single nucleotide variant.
Coding change: c.5673G>A on transcript NM_033305.3 (MANE Select); coding-DNA position 5673, G replaced by A.
Protein change: p.Ser1891=; no amino-acid change (serine 1891 retained).
Molecular consequence: synonymous variant.
Genome position (GRCh38, 1-based): chr9:77,321,589, G>A. VCF-style: chr9-77321589-G-A. GRCh37 (hg19) VCF-style: chr9-79936505-G-A.
Other names: c.5556G>A, p.Ser1852= (NM_001018037.2); c.5673G>A, p.Ser1891= (NM_001018038.3, NM_015186.4).
Identifiers: ClinVar variation 695324 (VCV000695324.20), dbSNP rs114699935, ClinGen allele CA5092832.

ClinVar aggregate classification (germline): Benign/Likely benign. Review status: criteria provided, multiple submitters, no conflicts (2 of 4 stars). 7 submissions from 7 submitters: Benign (3); Likely benign (3). 1 of the submissions does not count toward it. Last evaluated 2026-01-31.

Conditions:
VPS13A-related neurodegenerative disease. Also called: LEVINE-CRITCHLEY SYNDROME; Choreaacanthocytosis; VPS13A Disease; Choreoacanthocytosis; Chorea-acanthocytosis; ACANTHOCYTOSIS WITH NEUROLOGIC DISORDER. Identifiers: Orphanet 2388, MedGen C0393576, MONDO:0008695, OMIM 200150.

Allele frequency attached by ClinVar (database versions not stated): ExAC 0.00147; 1000 Genomes Project 0.00519; gnomAD 0.00524 and 0.00559; 1000 Genomes Project 30x 0.00547; TOPMed 0.00557; ESP Exome Variant Server 0.00577; gnomAD exomes 0.00045 and 0.00115.
gnomAD v4.1: 1,479 of 1,613,202 alleles (0.092%); highest among the groups gnomAD compares: African/African-American, 1.7%; 8 homozygotes.

Submissions (7):

Labcorp Genetics (formerly Invitae), Labcorp
Classification: Benign. Last evaluated: 2026-01-31. Review status: criteria provided, single submitter. Criteria: Invitae Variant Classification Sherloc (09022015). Collection method: clinical testing. Allele origin: germline.

Blueprint Genetics
Classification: Likely benign. Last evaluated: 2024-11-21. Review status: criteria provided, single submitter. Criteria: ACMG Guidelines, 2015. Collection method: clinical testing. Allele origin: germline.

GeneDx
Classification: Likely benign. Last evaluated: 2021-02-25. Review status: criteria provided, single submitter. Criteria: GeneDx Variant Classification Process June 2021. Collection method: clinical testing. Allele origin: germline. Affected: yes.

Athena Diagnostics
Classification: Benign. Last evaluated: 2018-10-23. Review status: criteria provided, single submitter. Criteria: Athena Diagnostics Criteria. Collection method: clinical testing. Allele origin: germline.

Illumina Laboratory Services, Illumina
Classification: Benign for VPS13A-related neurodegenerative disease. Last evaluated: 2018-01-13. Review status: criteria provided, single submitter. Criteria: ICSL Variant Classification Criteria 13 December 2019. Collection method: clinical testing. Allele origin: germline.
Comment: This variant was observed in the ICSL laboratory as part of a predisposition screen in an ostensibly healthy population. It had not been previously curated by ICSL or reported in the Human Gene Mutation Database (HGMD: prior to June 1st, 2018), and was therefore a candidate for classification through an automated scoring system. Utilizing variant allele frequency, disease prevalence and penetrance estimates, and inheritance mode, an automated score was calculated to assess if this variant is too frequent to cause the disease. Based on the score and internal cut-off values, a variant classified as benign is not then subjected to further curation. The score for this variant resulted in a classification of benign for this disease.

Breakthrough Genomics
Classification: Likely benign. Review status: criteria provided, single submitter. Criteria: ACMG Guidelines, 2015. Collection method: not provided. Allele origin: germline. Inheritance: Autosomal recessive inheritance. Affected: yes.

Natera, Inc.
Classification: Benign for Choreaacanthocytosis. Last evaluated: 2020-09-16. Review status: no assertion criteria provided. Collection method: clinical testing. Allele origin: germline. Not counted in ClinVar's aggregate classification.